The following is an entry in ClinVar:

NM_016222.4(DDX41):c.1042C>T (p.Arg348Cys)

Gene: DDX41 (DEAD-box helicase 41; minus strand). Cytogenetic location: 5q35.3.
Variant type: single nucleotide variant.
Coding change: c.1042C>T on transcript NM_016222.4 (MANE Select); coding-DNA position 1042, C replaced by T.
Protein change: p.Arg348Cys; replaces arginine 348 with cysteine.
Molecular consequence: missense variant.
Genome position (GRCh38, 1-based): chr5:177,513,741, G>A on the plus strand (C>T on the coding strand, the complement: DDX41 is on the minus strand). VCF-style: chr5-177513741-G-A. GRCh37 (hg19) VCF-style: chr5-176940742-G-A.
Other names: c.664C>T, p.Arg222Cys (NM_001321732.2, NM_001321830.2); c.1042C>T (NM_016222.2); short protein forms R222C, R348C.
Identifiers: ClinVar variation 3241305 (VCV003241305.2), dbSNP rs2532080892.

ClinVar aggregate classification (germline): Uncertain significance. Review status: criteria provided, multiple submitters, no conflicts (2 of 4 stars). 2 submissions from 2 submitters: Uncertain significance (2). Last evaluated 2024-12-04.

Conditions:
Inborn genetic diseases. Identifiers: MedGen C0950123, MeSH D030342.
DDX41-related hematologic malignancy predisposition syndrome. Also called: DDX41-Associated Familial Myelodysplastic Syndrome and Acute Myeloid Leukemia; Myeloproliferative/lymphoproliferative neoplasms, familial (multiple types), susceptibility to. Identifiers: Orphanet 488647, MedGen C4225174, MONDO:0014809, OMIM 616871.

Allele frequency attached by ClinVar (database versions not stated): gnomAD exomes below 0.00001.

Submissions (2):

Ambry Genetics
Classification: Uncertain significance for Inborn genetic diseases. Last evaluated: 2024-12-04. Review status: criteria provided, single submitter. Criteria: Ambry Variant Classification Scheme 2023. Collection method: clinical testing. Allele origin: germline.
Comment: The p.R348C variant (also known as c.1042C>T), located in coding exon 10 of the DDX41 gene, results from a C to T substitution at nucleotide position 1042. The arginine at codon 348 is replaced by cysteine, an amino acid with highly dissimilar properties. This amino acid position is highly conserved in available vertebrate species. In addition, this alteration is predicted to be deleterious by in silico analysis. Based on the available evidence, the clinical significance of this variant remains unclear.

Baylor Genetics
Classification: Uncertain significance for DDX41-related hematologic malignancy predisposition syndrome. Last evaluated: 2023-12-12. Review status: criteria provided, single submitter. Criteria: ACMG Guidelines, 2015. Collection method: clinical testing. Allele origin: unknown.